The following is an entry in ClinVar:

ClinVar aggregate classification (germline): Benign (0 of 4 stars; one submission).

Conditions:
JMJD7-PLA2G4B-related disorder. Also called: JMJD7-PLA2G4B-related condition.

Allele frequency attached by ClinVar (database versions not stated): 1000 Genomes Project 0.23742; 1000 Genomes Project 30x 0.24391; ExAC 0.27522; TOPMed 0.29018; gnomAD 0.29594; gnomAD exomes 0.29718; ESP Exome Variant Server 0.32247.
gnomAD v4.1: 479,751 of 1,613,808 alleles (30%); highest among the groups gnomAD compares: Middle Eastern, 43%; 74,269 homozygotes.

Submission:

PreventionGenetics, part of Exact Sciences
Classification: Benign for JMJD7-PLA2G4B-related condition. Last evaluated: 2019-10-21. Review status: no assertion criteria provided. Collection method: clinical testing. Allele origin: germline.
Comment: This variant is classified as benign based on ACMG/AMP sequence variant interpretation guidelines (Richards et al. 2015 PMID: 25741868, with internal and published modifications).

NM_005090.4(JMJD7-PLA2G4B):c.2349G>A (p.Arg783=)

Genes: JMJD7-PLA2G4B (JMJD7-PLA2G4B readthrough; plus strand), PLA2G4B (phospholipase A2 group IVB; plus strand). Cytogenetic location: 15q15.1.
Variant type: single nucleotide variant.
Coding change: c.2349G>A on transcript NM_005090.4; coding-DNA position 2349, G replaced by A.
Protein change: p.Arg783=; no amino-acid change (arginine 783 retained).
Molecular consequence: synonymous variant.
Genome position (GRCh38, 1-based): chr15:41,846,258, G>A. VCF-style: chr15-41846258-G-A. GRCh37 (hg19) VCF-style: chr15-42138456-G-A.
Other names: c.1656G>A, p.Arg552= (NM_001114633.2); c.2349G>A, p.Arg783= (NM_001198588.2).
Identifiers: ClinVar variation 3058978 (VCV003058978.2), dbSNP rs1197669, ClinGen allele CA7500211.
Genomic context (GRCh38, chr15:41,846,258, plus strand): 5'-TGTAGACAAGGAGCAGGTCCCCCTTCTGAAGATAGAAGAACCACCCTCAACAGCCGGCAG[G>A]ATAGCTGAGTTTTTCACCGATCTTCTGACGTGGCGTCCACTGGCCCAGGCCACACATAAT-3'